The following is an entry in ClinVar:

NM_138711.6(PPARG):c.420G>C (p.Lys140Asn)

Gene: PPARG (peroxisome proliferator activated receptor gamma; plus strand). Cytogenetic location: 3p25.2.
Variant type: single nucleotide variant.
Coding change: c.420G>C on transcript NM_138711.6 (MANE Select); coding-DNA position 420, G replaced by C.
Protein change: p.Lys140Asn; replaces lysine 140 with asparagine.
Molecular consequence: missense variant. On other transcripts: 5 prime UTR variant (1).
Genome position (GRCh38, 1-based): chr3:12,392,643, G>C. VCF-style: chr3-12392643-G-C. GRCh37 (hg19) VCF-style: chr3-12434142-G-C.
Other names: c.420G>C, p.Lys140Asn (NM_001330615.4, NM_001354666.3, NM_001354667.3 and 6 more transcripts); c.510G>C, p.Lys170Asn (NM_001354668.2, NM_001374265.1, NM_015869.5); c.-8G>C (NM_001354669.2); c.426G>C, p.Lys142Asn (NM_001354670.2, NM_001374266.1); short protein forms K140N, K142N, K170N.
Identifiers: ClinVar variation 1909413 (VCV001909413.5), dbSNP rs1214981971, ClinGen allele CA351618303.

ClinVar aggregate classification (germline): Uncertain significance (1 of 4 stars; one submission).

Allele frequency attached by ClinVar (database versions not stated): gnomAD exomes below 0.00001; gnomAD 0.00002.
gnomAD v4.1: 8 of 1,613,752 alleles (0.0005%); highest among the groups gnomAD compares: Non-Finnish European, 0.00068%; no homozygotes.

Submission:

Labcorp Genetics (formerly Invitae), Labcorp
Classification: Uncertain significance. Last evaluated: 2022-03-06. Review status: criteria provided, single submitter. Criteria: Invitae Variant Classification Sherloc (09022015). Collection method: clinical testing. Allele origin: germline.
Comment: This variant is present in population databases (no rsID available, gnomAD 0.002%). This sequence change replaces lysine, which is basic and polar, with asparagine, which is neutral and polar, at codon 170 of the PPARG protein (p.Lys170Asn). In summary, the available evidence is currently insufficient to determine the role of this variant in disease. Therefore, it has been classified as a Variant of Uncertain Significance. Algorithms developed to predict the effect of missense changes on protein structure and function are either unavailable or do not agree on the potential impact of this missense change (SIFT: "Deleterious"; PolyPhen-2: "Probably Damaging"; Align-GVGD: "Class C0"). This missense change has been observed in individual(s) with dyslipidemia (PMID: 32041611).

Literature cited by the submitters: PubMed 32041611.